The following is an entry in ClinVar:

ClinVar aggregate classification (germline): Likely pathogenic (1 of 4 stars; one submission).

Conditions:
Kabuki syndrome 1 (KABUK1). Also called: KMT2D-Related Kabuki Syndrome. Identifiers: Orphanet 2322, MedGen CN030661, MONDO:0007843, OMIM 147920.

Submission:

Lifecell International Pvt. Ltd
Classification: Likely pathogenic for Kabuki syndrome 1. Review status: criteria provided, single submitter. Criteria: ACMG Guidelines, 2015. Collection method: clinical testing. Allele origin: germline. Inheritance: Autosomal dominant inheritance. Affected: yes. Observed: 1 heterozygote.
Comment: A Heterozygous Frameshift variant c.7644delG in Exon 32 of the KMT2D gene that results in the amino acid substitution p.Lys2548fs*35 was identified. The observed variant is novel in gnomAD exomes and genomes, respectively. The severity of the impact of this variant on the protein is high, based on the effect of the protein and REVEL score . Rare Exome Variant Ensemble Learner (REVEL) is an ensembl method for predicting the pathogenicity of missense variants based on a combination of scores from 13 individual tools: MutPred, FATHMM v2.3, VEST 3.0, PolyPhen-2, SIFT, PROVEAN, MutationAssessor, MutationTaster, LRT, GERP++, SiPhy, phyloP, and phastCons. The REVEL score for an individual missense variant can range from 0 to 1, with higher scores reflecting greater likelihood that the variant is disease-causing. Based on the above evidence this variant has been classified as Likely Pathogenic according to the ACMG guidelines.

NM_003482.4(KMT2D):c.7644del (p.Lys2548fs)

Gene: KMT2D (lysine methyltransferase 2D; minus strand). Cytogenetic location: 12q13.12.
Variant type: Deletion.
Coding change: c.7644del on transcript NM_003482.4 (MANE Select); coding-DNA position 7644, one base deleted (G; older notation c.7644delG).
Protein change: p.Lys2548fs; shifts the reading frame from lysine 2548.
Molecular consequence: frameshift variant.
Genome position (GRCh38, 1-based): chr12:49,040,126, C deleted on the plus strand (G on the coding strand, the reverse complement: KMT2D is on the minus strand). VCF-style (leftmost placement, unchanged base first): chr12-49040125-GC-G. GRCh37 (hg19) VCF-style: chr12-49433908-GC-G.
Other names: c.7644delG (NM_003482.4); short protein forms K2548fs.
Identifiers: ClinVar variation 2446761 (VCV002446761.2), dbSNP rs2498395548, ClinGen allele CA2580086345.
Genomic context (GRCh38, chr12:49,040,125, plus strand): 5'-CGGGCCCAAAATGGCTGTTGATCCCATGGGGTGGCGGGAGACCAGGCTGAGGGACAGGGG[GC>G]TTTAGGGAAGGCTCCCCTACTGCCTGAGGGAAAGTGAAACGCATGGGAGAGGGGGTGCCC-3'